The following is an entry in ClinVar:

NM_020806.5(GPHN):c.1975+2T>C

Gene: GPHN (gephyrin; plus strand). Cytogenetic location: 14q23.3.
Variant type: single nucleotide variant.
Coding change: c.1975+2T>C on transcript NM_020806.5 (MANE Select); the canonical splice donor site of the intron after coding-DNA position 1975, T replaced by C.
Molecular consequence: splice donor variant.
Genome position (GRCh38, 1-based): chr14:67,165,228, T>C. VCF-style: chr14-67165228-T-C. GRCh37 (hg19) VCF-style: chr14-67631945-T-C.
Other names: c.2035+2T>C (NM_001377514.1); c.1915+2T>C (NM_001377519.1); c.2005+2T>C (NM_001377515.1); c.1996+2T>C (NM_001377516.1); c.1933+2T>C (NM_001377518.1); c.1948+2T>C (NM_001377517.1); c.1876+2T>C (NM_001024218.2).
Identifiers: ClinVar variation 1346315 (VCV001346315.7), dbSNP rs2140003018, ClinGen allele CA390121893.

ClinVar aggregate classification (germline): Likely pathogenic (1 of 4 stars; one submission).

Conditions:
Sulfite oxidase deficiency due to molybdenum cofactor deficiency type C. Also called: Molybdenum cofactor deficiency, complementation group C; Molybdenum cofactor deficiency C. Identifiers: Orphanet 308400, Orphanet 833, MedGen C1854990, MONDO:0014212, OMIM 615501.

Submissions (2):

Labcorp Genetics (formerly Invitae), Labcorp
Classification: Likely pathogenic for Sulfite oxidase deficiency due to molybdenum cofactor deficiency type C. Last evaluated: 2021-08-22. Review status: criteria provided, single submitter. Criteria: Invitae Variant Classification Sherloc (09022015). Collection method: clinical testing. Allele origin: germline.
Comment: In summary, the currently available evidence indicates that the variant is pathogenic, but additional data are needed to prove that conclusively. Therefore, this variant has been classified as Likely Pathogenic. Algorithms developed to predict the effect of sequence changes on RNA splicing suggest that this variant may disrupt the consensus splice site. This variant has not been reported in the literature in individuals affected with GPHN-related conditions. This variant is not present in population databases (ExAC no frequency). This sequence change affects a donor splice site in intron 20 of the GPHN gene. It is expected to disrupt RNA splicing. Variants that disrupt the donor or acceptor splice site typically lead to a loss of protein function (PMID: 16199547), and loss-of-function variants in GPHN are known to be pathogenic (PMID: 11095995, 23184456, 23393157).

Dr. Peter K. Rogan Lab, Western University
No classification provided (evidence only). Condition: Thyroid cancer, nonmedullary, 1. Review status: no classification provided. Collection method: in vitro. Allele origin: not applicable. Functional consequence: retained intron. Not counted in ClinVar's aggregate classification.

Literature cited by the submitters: PubMed 16199547 (cited by Labcorp Genetics (formerly Invitae), Labcorp); PubMed 11095995 (cited by Labcorp Genetics (formerly Invitae), Labcorp); PubMed 23184456 (cited by Labcorp Genetics (formerly Invitae), Labcorp); PubMed 23393157 (cited by Labcorp Genetics (formerly Invitae), Labcorp).